The following is an entry in ClinVar:

NM_139076.3(ABRAXAS1):c.884A>G (p.His295Arg)

Gene: ABRAXAS1 (abraxas 1, BRCA1 A complex subunit; minus strand). Cytogenetic location: 4q21.23.
Variant type: single nucleotide variant.
Coding change: c.884A>G on transcript NM_139076.3 (MANE Select); coding-DNA position 884, A replaced by G.
Protein change: p.His295Arg; replaces histidine 295 with arginine.
Molecular consequence: missense variant.
Genome position (GRCh38, 1-based): chr4:83,462,815, T>C on the plus strand (A>G on the coding strand, the complement: ABRAXAS1 is on the minus strand). VCF-style: chr4-83462815-T-C. GRCh37 (hg19) VCF-style: chr4-84383968-T-C.
Other names: c.557A>G, p.His186Arg (NM_001345962.2); short protein forms H295R, H186R.
Identifiers: ClinVar variation 3332824 (VCV003332824.1).

ClinVar aggregate classification (germline): Uncertain significance (1 of 4 stars; one submission).

Submission:

Ambry Genetics
Classification: Uncertain significance. Last evaluated: 2024-03-15. Review status: criteria provided, single submitter. Criteria: Ambry Variant Classification Scheme 2023. Collection method: clinical testing. Allele origin: germline.
Comment: The p.H295R variant (also known as c.884A>G), located in coding exon 9 of the FAM175A gene, results from an A to G substitution at nucleotide position 884. The histidine at codon 295 is replaced by arginine, an amino acid with highly similar properties. This amino acid position is conserved. In addition, this alteration is predicted to be tolerated by in silico analysis. Based on the available evidence, the clinical significance of this alteration remains unclear.